The following is an entry in ClinVar:

NM_138927.4(SON):c.607G>A (p.Glu203Lys)

Gene: SON (SON DNA and RNA binding protein; plus strand). Cytogenetic location: 21q22.11.
Variant type: single nucleotide variant.
Coding change: c.607G>A on transcript NM_138927.4 (MANE Select); coding-DNA position 607, G replaced by A.
Protein change: p.Glu203Lys; replaces glutamic acid 203 with lysine.
Molecular consequence: missense variant. On other transcripts: non-coding transcript variant (1), intron variant (1).
Genome position (GRCh38, 1-based): chr21:33,549,838, G>A. VCF-style: chr21-33549838-G-A. GRCh37 (hg19) VCF-style: chr21-34922144-G-A.
Other names: c.607G>A, p.Glu203Lys (NM_001291411.2, NM_001412133.1, NM_032195.3 and 2 more transcripts); c.244+3459G>A (NM_001291412.3); short protein forms E203K.
Identifiers: ClinVar variation 2955962 (VCV002955962.3), dbSNP rs554241846, ClinGen allele CA410151716.

ClinVar aggregate classification (germline): Uncertain significance (1 of 4 stars; one submission).

Submission:

Labcorp Genetics (formerly Invitae), Labcorp
Classification: Uncertain significance. Last evaluated: 2024-02-19. Review status: criteria provided, single submitter. Criteria: Invitae Variant Classification Sherloc (09022015). Collection method: clinical testing. Allele origin: germline.
Comment: This sequence change replaces glutamic acid, which is acidic and polar, with lysine, which is basic and polar, at codon 203 of the SON protein (p.Glu203Lys). This variant is not present in population databases (gnomAD no frequency). This variant has not been reported in the literature in individuals affected with SON-related conditions. An algorithm developed to predict the effect of missense changes on protein structure and function (PolyPhen-2) suggests that this variant is likely to be disruptive. In summary, the available evidence is currently insufficient to determine the role of this variant in disease. Therefore, it has been classified as a Variant of Uncertain Significance.